The following is an entry in ClinVar:

ClinVar aggregate classification (germline): Uncertain significance (1 of 4 stars; one submission).

Conditions:
Hereditary cancer-predisposing syndrome. Also called: Tumor predisposition; Neoplastic Syndromes, Hereditary; Hereditary neoplastic syndrome; Hereditary Cancer Syndrome. Identifiers: Orphanet 140162, MedGen C0027672, MeSH D009386, MONDO:0015356.

gnomAD v4.1: 1 of 1,613,872 alleles (0.000062%); highest among the groups gnomAD compares: Non-Finnish European, 0.000085%; no homozygotes.

Submission:

Ambry Genetics
Classification: Uncertain significance for Hereditary cancer-predisposing syndrome. Last evaluated: 2024-09-09. Review status: criteria provided, single submitter. Criteria: Ambry Variant Classification Scheme 2023. Collection method: clinical testing. Allele origin: germline.
Comment: The p.M50R variant (also known as c.149T>G), located in coding exon 2 of the TSC2 gene, results from a T to G substitution at nucleotide position 149. The methionine at codon 50 is replaced by arginine, an amino acid with similar properties. This amino acid position is conserved. In addition, this alteration is predicted to be tolerated by in silico analysis. Based on the available evidence, the clinical significance of this variant remains unclear.

NM_000548.5(TSC2):c.149T>G (p.Met50Arg)

Gene: TSC2 (TSC complex subunit 2; plus strand). Cytogenetic location: 16p13.3.
Variant type: single nucleotide variant.
Coding change: c.149T>G on transcript NM_000548.5 (MANE Select); coding-DNA position 149, T replaced by G.
Protein change: p.Met50Arg; replaces methionine 50 with arginine.
Molecular consequence: missense variant. On other transcripts: initiator codon variant (5), 5 prime UTR variant (20), non-coding transcript variant (5).
Genome position (GRCh38, 1-based): chr16:2,050,410, T>G. VCF-style: chr16-2050410-T-G. GRCh37 (hg19) VCF-style: chr16-2100411-T-G.
Other names: c.149T>G, p.Met50Arg (NM_001077183.3, NM_001114382.3, NM_001318827.2 and 13 more transcripts); c.2T>G, p.Met1Arg (NM_001318829.2, NM_001406675.1, NM_001406676.1 and 2 more transcripts); c.-78T>G (NM_001318831.2, NM_001406682.1, NM_001406684.1 and 3 more transcripts); c.182T>G, p.Met61Arg (NM_001318832.2); c.-668T>G (NM_001406680.1, NM_001406683.1, NM_001406687.1); c.-297T>G (NM_001406681.1); c.-1283T>G (NM_001406689.1, NM_001406690.1, NM_001406691.1 and 2 more transcripts); c.-1589T>G (NM_001406693.1); and 3 more; short protein forms M50R, M61R, M1R.
Identifiers: ClinVar variation 3462619 (VCV003462619.1).
Genomic context (GRCh38, chr16:2,050,410, plus strand): 5'-AGACCGTGGCCTGAGCACTGGCCCCTTTTTCTTCTTTCATCTCTCTCCAGGAACTGAGCA[T>G]GGAATGTGGCCTCAACAATCGCATCCGGATGATAGGGCAGATTTGTGAAGTCGCAAAAAC-3'
Protein context (NP_000539.2, residues 40-60): ITAEILRELS[Met50Arg]ECGLNNRIRM